The following is an entry in ClinVar:

ClinVar aggregate classification (germline): Uncertain significance (1 of 4 stars; one submission).

Conditions:
Perlman syndrome (PRLMNS). Identifiers: Orphanet 2849, MedGen C0796113, MONDO:0009965, OMIM 267000.

Allele frequency attached by ClinVar (database versions not stated): gnomAD exomes below 0.00001; TOPMed below 0.00001; ExAC 0.00001; gnomAD 0.00001.
gnomAD v4.1: 2 of 1,613,868 alleles (0.00012%); highest among the groups gnomAD compares: African/African-American, 0.0027%; no homozygotes.

Submission:

Labcorp Genetics (formerly Invitae), Labcorp
Classification: Uncertain significance for Perlman syndrome. Last evaluated: 2023-10-28. Review status: criteria provided, single submitter. Criteria: Invitae Variant Classification Sherloc (09022015). Collection method: clinical testing. Allele origin: germline.
Comment: This sequence change replaces alanine, which is neutral and non-polar, with threonine, which is neutral and polar, at codon 255 of the DIS3L2 protein (p.Ala255Thr). This variant is present in population databases (rs770321098, gnomAD 0.007%). This missense change has been observed in individual(s) with breast cancer (PMID: 29625052, 36451132). This variant is also known as c.1098G>A p.W274* in ENST00000360410. ClinVar contains an entry for this variant (Variation ID: 581536). An algorithm developed to predict the effect of missense changes on protein structure and function (PolyPhen-2) suggests that this variant is likely to be tolerated. In summary, the available evidence is currently insufficient to determine the role of this variant in disease. Therefore, it has been classified as a Variant of Uncertain Significance.

Literature cited by the submitters: PubMed 29625052; PubMed 36451132.

NM_152383.5(DIS3L2):c.763G>A (p.Ala255Thr)

Gene: DIS3L2 (DIS3 like 3'-5' exoribonuclease 2; plus strand). Cytogenetic location: 2q37.1.
Variant type: single nucleotide variant.
Coding change: c.763G>A on transcript NM_152383.5 (MANE Select); coding-DNA position 763, G replaced by A.
Protein change: p.Ala255Thr; replaces alanine 255 with threonine.
Molecular consequence: missense variant. On other transcripts: non-coding transcript variant (1).
Genome position (GRCh38, 1-based): chr2:232,136,532, G>A. VCF-style: chr2-232136532-G-A. GRCh37 (hg19) VCF-style: chr2-233001242-G-A.
Other names: c.763G>A, p.Ala255Thr (NM_001257281.2); short protein forms A255T.
Identifiers: ClinVar variation 581536 (VCV000581536.9), dbSNP rs770321098, ClinGen allele CA2163945.